The following is an entry in ClinVar:

NM_000540.3(RYR1):c.2594A>T (p.His865Leu)

Gene: RYR1 (ryanodine receptor 1; plus strand). Cytogenetic location: 19q13.2.
Variant type: single nucleotide variant.
Coding change: c.2594A>T on transcript NM_000540.3 (MANE Select); coding-DNA position 2594, A replaced by T.
Protein change: p.His865Leu; replaces histidine 865 with leucine.
Molecular consequence: missense variant.
Genome position (GRCh38, 1-based): chr19:38,463,439, A>T. VCF-style: chr19-38463439-A-T. GRCh37 (hg19) VCF-style: chr19-38954079-A-T.
Other names: c.2594A>T, p.His865Leu (NM_001042723.2); c.2594A>T (NM_000540.2); short protein forms H865L.
Identifiers: ClinVar variation 808536 (VCV000808536.19), dbSNP rs371862065, ClinGen allele CA063576.

ClinVar aggregate classification (germline): Uncertain significance. Review status: criteria provided, multiple submitters, no conflicts (2 of 4 stars). 5 submissions from 5 submitters: Uncertain significance (5). Last evaluated 2025-03-12.

Conditions:
RYR1-related disorder. Also called: RYR1-related condition; RYR1-related disorders. Identifiers: MedGen CN239331.
Malignant hyperthermia, susceptibility to, 1 (MHS1). Also called: Malignant hyperthermia suceptibility 1; Anesthesia related hyperthermia; Malignant hyperpyrexia; Fulminating hyperpyrexia; Pharmacogenic myopathy; RYR1-Related Malignant Hyperthermia Susceptibility. Identifiers: Orphanet 423, MedGen C2930980, MONDO:0007783, OMIM 145600.
King Denborough syndrome (KDS). Identifiers: MedGen C1840365, MONDO:0020485, OMIM 619542.
Congenital multicore myopathy with external ophthalmoplegia (CMYO1B). Also called: MULTICORE MYOPATHY; MULTIMINICORE DISEASE WITH EXTERNAL OPHTHALMOPLEGIA; Congenital myopathy 1B, autosomal recessive; Minicore myopathy; Minicore myopathy with external ophthalmoplegia. Identifiers: Orphanet 598, Orphanet 98905, MedGen C1850674, MONDO:0009712, OMIM 255320, HP:0003789.
Congenital myopathy with fiber type disproportion. Also called: Congenital fiber-type disproportion; Congenital fiber-type disproportion myopathy. Identifiers: Orphanet 2020, MedGen C0546264, MONDO:0009711. Inheritance: all.
Central core myopathy (CMYO1A). Also called: Central core disease; Myopathy, central fibrillar; CONGENITAL MYOPATHY 1A, AUTOSOMAL DOMINANT, WITH SUSCEPTIBILITY TO MALIGNANT HYPERTHERMIA. Identifiers: Orphanet 597, MedGen C5830701, MONDO:0007294, OMIM 117000.
RYR1-related myopathy. Identifiers: Orphanet 98742, MedGen CN305348, MONDO:0100150.

Allele frequency attached by ClinVar (database versions not stated): gnomAD exomes 0.00003; TOPMed 0.00004; ExAC 0.00005; gnomAD 0.00006; ESP Exome Variant Server 0.00015.
gnomAD v4.1: 48 of 1,613,838 alleles (0.003%); highest among the groups gnomAD compares: Non-Finnish European, 0.0039%; no homozygotes.

Submissions (5):

Labcorp Genetics (formerly Invitae), Labcorp
Classification: Uncertain significance for RYR1-related disorder. Last evaluated: 2025-03-12. Review status: criteria provided, single submitter. Criteria: Invitae Variant Classification Sherloc (09022015). Collection method: clinical testing. Allele origin: germline.
Comment: This sequence change replaces histidine, which is basic and polar, with leucine, which is neutral and non-polar, at codon 865 of the RYR1 protein (p.His865Leu). The frequency data for this variant in the population databases is considered unreliable, as metrics indicate poor data quality at this position in the gnomAD database. This variant has not been reported in the literature in individuals affected with RYR1-related conditions. ClinVar contains an entry for this variant (Variation ID: 808536). Invitae Evidence Modeling of protein sequence and biophysical properties (such as structural, functional, and spatial information, amino acid conservation, physicochemical variation, residue mobility, and thermodynamic stability) has been performed for this missense variant. However, the output from this modeling did not meet the statistical confidence thresholds required to predict the impact of this variant on RYR1 protein function. In summary, the available evidence is currently insufficient to determine the role of this variant in disease. Therefore, it has been classified as a Variant of Uncertain Significance.

Color Diagnostics, LLC DBA Color Health
Classification: Uncertain significance for Malignant hyperthermia, susceptibility to, 1. Last evaluated: 2024-03-06. Review status: criteria provided, single submitter. Criteria: ACMG Guidelines, 2015. Collection method: clinical testing. Allele origin: germline.
Comment: This missense variant replaces histidine with leucine at codon 865 of the RYR1 protein. Computational prediction suggests that this variant may have deleterious impact on protein structure and function. To our knowledge, functional studies have not been reported for this variant. This variant has not been reported in individuals affected with RYR1-related disorders in the literature. This variant has been identified in 8/282426 chromosomes in the general population by the Genome Aggregation Database (gnomAD). The available evidence is insufficient to determine the role of this variant in disease conclusively. Therefore, this variant is classified as a Variant of Uncertain Significance.

GeneDx
Classification: Uncertain significance. Last evaluated: 2023-06-08. Review status: criteria provided, single submitter. Criteria: GeneDx Variant Classification Process June 2021. Collection method: clinical testing. Allele origin: germline. Affected: yes.
Comment: Has not been previously published as pathogenic or benign to our knowledge; In silico analysis supports that this missense variant has a deleterious effect on protein structure/function; Not observed at significant frequency in large population cohorts (gnomAD)

Victorian Clinical Genetics Services, Murdoch Childrens Research Institute
Classification: Uncertain significance for RYR1-related myopathy. Last evaluated: 2022-09-02. Review status: criteria provided, single submitter. Criteria: ACMG Guidelines, 2015. Collection method: clinical testing. Allele origin: germline.
Comment: Based on the classification scheme VCGS_Germline_v1.3.4, this variant is classified as VUS-3B. Following criteria are met: 0103 - Loss of function and gain of function are known mechanisms of disease in this gene and are associated with RYR1-related disorders (OMIM). Gain of function mechanism has been described in the context of malignant hyperthermia susceptibility (MIM#145600) and monoallelic central core disease and congenital neuromuscular disease with uniform type 1 fiber (MIM#117000). Biallelic central core disease, congenital neuromuscular disease with uniform type 1 fiber (MIM#117000) and minicore myopathy with external ophthalmoplegia (MIM#255320) are associated with a loss of function mechanism (PMIDs: 27855725, 23919265). (I) 0108 - This gene is associated with both recessive and dominant disease (OMIM). (I) 0200 - Variant is predicted to result in a missense amino acid change from histidine to leucine. (I) 0251 - This variant is heterozygous. (I) 0304 - Variant is present in gnomAD <0.01 (v3: 9 heterozygotes, 0 homozygotes). (SP) 0309 - An alternative amino acid change at the same position has been observed in gnomAD (v2: 1 heterozygote, 0 homozygotes). (I) 0501 - Missense variant consistently predicted to be damaging by multiple in silico tools or highly conserved with a major amino acid change. (SP) 0600 - Variant is located in the annotated RyR domain (DECIPHER). (I) 0710 - Another missense variant comparable to the one identified in this case has inconclusive previous evidence for pathogenicity. An alternative change to an arginine has been reported as a VUS in an individual who had a malignant hyperthermia (MH) event, however, MH had not been confirmed by in vitro contracture testing (PMID: 31559918). The arginine change has been reported as a VUS in ClinVar. (I) 0809 - Previous evidence of pathogenicity for this variant is inconclusive. This variant has been reported as a VUS in ClinVar. (I) 0905 - No published segregation evidence has been identified for this variant. (I) 1007 - No published functional evidence has been identified for this variant. (I) 1208 - Inheritance information for this variant is not currently available in this individual. (I) Legend: (SP) - Supporting pathogenic, (I) - Information, (SB) - Supporting benign

Fulgent Genetics
Classification: Uncertain significance for Central core myopathy; Malignant hyperthermia, susceptibility to, 1; Congenital myopathy 4A, autosomal dominant; Congenital multicore myopathy with external ophthalmoplegia; King Denborough syndrome. Last evaluated: 2021-08-05. Review status: criteria provided, single submitter. Criteria: ACMG Guidelines, 2015. Collection method: clinical testing. Allele origin: unknown.

Literature cited by the submitters: PubMed 23919265 (cited by Victorian Clinical Genetics Services, Murdoch Childrens Research Institute); PubMed 27855725 (cited by Victorian Clinical Genetics Services, Murdoch Childrens Research Institute); PubMed 31559918 (cited by Victorian Clinical Genetics Services, Murdoch Childrens Research Institute).